The following is an entry in ClinVar:

ClinVar aggregate classification (germline): Pathogenic/Likely pathogenic. Review status: criteria provided, multiple submitters, no conflicts (2 of 4 stars). 3 submissions from 3 submitters: Pathogenic (1); Likely pathogenic (2). Last evaluated 2026-08-06.

Conditions:
Neurofibromatosis, type 1 (NF1). Also called: VON RECKLINGHAUSEN DISEASE; NEUROFIBROMATOSIS, TYPE I, SOMATIC; Peripheral type neurofibromatosis; Neurofibromatosis, type I. Identifiers: Orphanet 636, MedGen C0027831, MONDO:0018975, OMIM 162200. Disease mechanism: loss of function.
Neurofibromatosis, familial spinal (FSNF). Identifiers: Orphanet 636, MedGen C1834235, MONDO:0008078, OMIM 162210. Disease mechanism: loss of function.

Submissions (3):

OLLIN Analises Genomicas, OLLIN
Classification: Likely pathogenic for Neurofibromatosis, familial spinal. Last evaluated: 2026-08-06. Review status: criteria provided, single submitter. Criteria: ACMG Guidelines 2015 PMID 25741868. Collection method: clinical testing. Allele origin: germline. Inheritance: Autosomal dominant inheritance.
Comment: This missense variant, located in exon 21 (of 58), is absent from gnomAD but has been reported in ClinVar (accession VCV000527591.6) and in the scientific literature in individuals with NF1 related disorders (PMID: 25074460, 26321374, 29111114, 34664663). In silico analysis predicts that this variant has a deleterious effect. This gene is constrained for missense variation. According to the currently available evidence, this variant has been classified as likely pathogenic (PM2_P, PP2, PP3_S).

GeneDx
Classification: Likely pathogenic. Last evaluated: 2026-06-15. Review status: criteria provided, single submitter. Criteria: GeneDx Variant Classification Process June 2021. Collection method: clinical testing. Allele origin: germline.
Comment: Exonic splice site variant reported to result in protein truncation or nonsense mediated decay in a gene for which loss-of-function is a known mechanism of disease (PMID: 29290338); Not observed at significant frequency in large population cohorts (gnomAD); This variant is associated with the following publications: (PMID: 25074460, 29290338, 35982159, 35982160, 2121369, 25486365, 38958063)

Labcorp Genetics (formerly Invitae), Labcorp
Classification: Pathogenic for Neurofibromatosis, type 1. Last evaluated: 2025-07-07. Review status: criteria provided, single submitter. Criteria: Invitae Variant Classification Sherloc (09022015). Collection method: clinical testing. Allele origin: germline.
Comment: This sequence change replaces methionine, which is neutral and non-polar, with arginine, which is basic and polar, at codon 895 of the NF1 protein (p.Met895Arg). This variant is not present in population databases (gnomAD no frequency). This missense change has been observed in individual(s) with neurofibromatosis, type 1 (PMID: 25074460). Invitae Evidence Modeling of clinical and family history, age, sex, and reported ancestry of multiple individuals with this NF1 variant has been performed. This variant is expected to be pathogenic with a positive predictive value of at least 99%. This is a validated machine learning model that incorporates the clinical features of 1,785,918 individuals referred to our laboratory for NF1 testing. ClinVar contains an entry for this variant (Variation ID: 527591). Invitae Evidence Modeling of protein sequence and biophysical properties (such as structural, functional, and spatial information, amino acid conservation, physicochemical variation, residue mobility, and thermodynamic stability) has been performed for this missense variant. However, the output from this modeling did not meet the statistical confidence thresholds required to predict the impact of this variant on NF1 protein function. For these reasons, this variant has been classified as Pathogenic.

Literature cited by the submitters: PubMed 25074460 (cited by OLLIN Analises Genomicas, OLLIN and Labcorp Genetics (formerly Invitae), Labcorp); PubMed 26321374 (cited by OLLIN Analises Genomicas, OLLIN); PubMed 29111114 (cited by OLLIN Analises Genomicas, OLLIN); PubMed 34664663 (cited by OLLIN Analises Genomicas, OLLIN).

NM_001042492.3(NF1):c.2684T>G (p.Met895Arg)

Gene: NF1 (neurofibromin 1; plus strand). Cytogenetic location: 17q11.2.
Variant type: single nucleotide variant.
Coding change: c.2684T>G on transcript NM_001042492.3 (MANE Select); coding-DNA position 2684, T replaced by G.
Protein change: p.Met895Arg; replaces methionine 895 with arginine.
Molecular consequence: missense variant.
Genome position (GRCh38, 1-based): chr17:31,229,299, T>G. VCF-style: chr17-31229299-T-G. GRCh37 (hg19) VCF-style: chr17-29556317-T-G.
Other names: c.2684T>G, p.Met895Arg (NM_000267.4); short protein forms M895R.
Identifiers: ClinVar variation 527591 (VCV000527591.8), dbSNP rs1555614301, ClinGen allele CA398984935.